The following is an entry in ClinVar:

NC_000005.9:g.(?_131713846)_(131720003_?)del

Gene: SLC22A5 (solute carrier family 22 member 5; plus strand). Cytogenetic location: 5q31.1.
Variant type: Deletion.
Identifiers: ClinVar variation 1455669 (VCV001455669.5).

ClinVar aggregate classification (germline): Pathogenic (1 of 4 stars; one submission).

Conditions:
Renal carnitine transport defect (CDSP). Also called: Carnitine transporter deficiency; Carnitine Deficiency, Systemic; Systemic primary carnitine deficiency disease; CARNITINE DEFICIENCY, SYSTEMIC, DUE TO DEFECT IN RENAL REABSORPTION OF CARNITINE; CARNITINE TRANSPORTER, PLASMA-MEMBRANE, DEFICIENCY OF; CARNITINE UPTAKE DEFECT. Identifiers: Orphanet 158, MedGen C0342788, MONDO:0008919, OMIM 212140.

Submission:

Labcorp Genetics (formerly Invitae), Labcorp
Classification: Pathogenic for Renal carnitine transport defect. Last evaluated: 2022-04-14. Review status: criteria provided, single submitter. Criteria: Invitae Variant Classification Sherloc (09022015). Collection method: clinical testing. Allele origin: germline.
Comment: For these reasons, this variant has been classified as Pathogenic. This variant is a gross deletion of the genomic region encompassing exon(s) 2-3 of the SLC22A5 gene. This deletion is out-of-frame, and is expected to create a premature termination codon and result in an absent or disrupted protein product. Loss-of-function variants in SLC22A5 are known to be pathogenic (PMID: 9916797). This variant has not been reported in the literature in individuals affected with SLC22A5-related conditions.

Literature cited by the submitters: PubMed 9916797.